The following is an entry in ClinVar:

ClinVar aggregate classification (germline): Pathogenic. Review status: reviewed by expert panel (3 of 4 stars). 4 submissions from 4 submitters: Pathogenic (1). 3 of the submissions do not count toward it. Last evaluated 2017-12-15.

Conditions:
Hereditary breast ovarian cancer syndrome. Also called: Hereditary breast and ovarian cancer syndrome (HBOC); BRCA1- and BRCA2-Associated Hereditary Breast and Ovarian Cancer; Hereditary breast and/or ovarian cancer syndrome; Hereditary breast and ovarian cancer syndrome; Hereditary breast and ovarian cancer; Breast and ovarian cancer. Identifiers: Orphanet 145, MedGen C0677776, MeSH D061325, MONDO:0003582. Disease mechanism: loss of function.
Breast-ovarian cancer, familial, susceptibility to, 2 (BROVCA2). Also called: BRCA2 Hereditary Breast and Ovarian Cancer. Identifiers: Orphanet 145, MedGen C2675520, MONDO:0012933, OMIM 612555. Disease mechanism: loss of function.
Malignant tumor of breast. Also called: Malignant breast neoplasm; Cancer breast. Identifiers: MedGen C0006142, MONDO:0007254. Disease mechanism: loss of function.
Breast-ovarian cancer, familial, susceptibility to, 1 (BROVCA1). Also called: BRCA1 Hereditary Breast and Ovarian Cancer; OVARIAN CANCER, SUSCEPTIBILITY TO. Identifiers: Orphanet 145, MedGen C2676676, MONDO:0011450, OMIM 604370. Disease mechanism: loss of function.

Allele frequency attached by ClinVar (database versions not stated): gnomAD exomes below 0.00001.

Submissions (4):

Evidence-based Network for the Interpretation of Germline Mutant Alleles (ENIGMA)
Classification: Pathogenic for Breast-ovarian cancer, familial, susceptibility to, 2. Last evaluated: 2017-12-15. Review status: reviewed by expert panel. Criteria: ENIGMA BRCA1/2 Classification Criteria (2017-06-29). Collection method: curation. Allele origin: germline. Study: ENIGMA.
Comment: Variant allele predicted to encode a truncated non-functional protein.

Institute of Immunology and Genetics Kaiserslautern
Classification: Pathogenic for Breast-ovarian cancer, familial, susceptibility to, 1. Last evaluated: 2025-07-30. Review status: criteria provided, single submitter. Criteria: ACMG Guidelines, 2015. Collection method: clinical testing. Allele origin: germline. Affected: yes. Not counted in ClinVar's aggregate classification.
Comment: ACMG Criteria: PVS1, PM2, PP3, PP5_M.

Labcorp Genetics (formerly Invitae), Labcorp
Classification: Pathogenic for Hereditary breast ovarian cancer syndrome. Last evaluated: 2022-10-11. Review status: criteria provided, single submitter. Criteria: Invitae Variant Classification Sherloc (09022015). Collection method: clinical testing. Allele origin: germline. Not counted in ClinVar's aggregate classification.
Comment: This sequence change creates a premature translational stop signal (p.Gly2528Argfs*11) in the BRCA2 gene. It is expected to result in an absent or disrupted protein product. Loss-of-function variants in BRCA2 are known to be pathogenic (PMID: 20104584). For these reasons, this variant has been classified as Pathogenic. ClinVar contains an entry for this variant (Variation ID: 433816). This variant has not been reported in the literature in individuals affected with BRCA2-related conditions. This variant is not present in population databases (gnomAD no frequency).

Department of Pathology and Laboratory Medicine, Sinai Health System
Classification: Pathogenic for Malignant tumor of breast. Review status: no assertion criteria provided. Collection method: clinical testing. Allele origin: unknown. Affected: yes. Study: The Canadian Open Genetics Repository (COGR). Not counted in ClinVar's aggregate classification.
Comment: The BRCA2 p.Gly2528ArgfsX11 variant was not identified in the literature, nor was it identified in the dbSNP, NHLBI Exome Sequencing Project (Exome Variant Server), Exome Aggregation Consortium (ExAC), LOVD, COSMIC, ClinVar, GeneInsight COGR, BIC, Clinvitae, MutDB, ARUP or BRCA SHARE (UMD). The p.Gly2528ArgfsX11 duplication variant is predicted to cause a frameshift, which alters the protein's amino acid sequence beginning at codon 2528 and leads to a premature stop codon 11 codons downstream. This alteration is then predicted to result in a truncated or absent protein and loss of function. Loss of function variants of the BRCA2 gene are an established mechanism of disease in hereditary breast and ovarian cancer and is the type of variant expected to cause the disorder. In summary, based on the above information, this variant meets our laboratoryâ€šÃ„Ã´s criteria to be classified as pathogenic.

Literature cited by the submitters: PubMed 20104584 (cited by Labcorp Genetics (formerly Invitae), Labcorp).

NM_000059.4(BRCA2):c.7580dup (p.Gly2528fs)

Gene: BRCA2 (BRCA2 DNA repair associated; plus strand). Cytogenetic location: 13q13.1.
Variant type: Duplication.
Coding change: c.7580dup on transcript NM_000059.4 (MANE Select); coding-DNA position 7580, one base duplicated (T; older notation c.7580dupT).
Protein change: p.Gly2528fs; shifts the reading frame from glycine 2528.
Molecular consequence: frameshift variant.
Genome position (GRCh38, 1-based): chr13:32,356,572, T duplicated. VCF-style (leftmost placement, unchanged base first): chr13-32356571-G-GT. GRCh37 (hg19) VCF-style: chr13-32930708-G-GT.
Other names: c.7580dupT (NM_000059.3); short protein forms G2528fs.
Identifiers: ClinVar variation 433816 (VCV000433816.10), dbSNP rs1555286298, ClinGen allele CA645372940.